The following is an entry in ClinVar:

ClinVar aggregate classification (germline): Likely benign. Review status: criteria provided, multiple submitters, no conflicts (2 of 4 stars). 2 submissions from 2 submitters: Likely benign (2). Last evaluated 2025-01-24.

Conditions:
UNC45B-related disorder. Also called: UNC45B-related condition.

Allele frequency attached by ClinVar (database versions not stated): ExAC 0.00013; ESP Exome Variant Server 0.00023; gnomAD 0.00025; 1000 Genomes Project 30x 0.00031; TOPMed 0.00037; 1000 Genomes Project 0.00040.
gnomAD v4.1: 371 of 1,604,926 alleles (0.023%); highest among the groups gnomAD compares: Admixed American, 0.075%; 1 homozygote.

Submissions (2):

PreventionGenetics, part of Exact Sciences
Classification: Likely benign for UNC45B-related condition. Last evaluated: 2025-01-24. Review status: criteria provided, single submitter. Criteria: ACMG Guidelines, 2015. Collection method: clinical testing. Allele origin: germline.
Comment: This variant is classified as likely benign based on ACMG/AMP sequence variant interpretation guidelines (Richards et al. 2015 PMID: 25741868, with internal and published modifications).

Labcorp Genetics (formerly Invitae), Labcorp
Classification: Likely benign. Last evaluated: 2022-05-31. Review status: criteria provided, single submitter. Criteria: Invitae Variant Classification Sherloc (09022015). Collection method: clinical testing. Allele origin: germline.

NM_001267052.2(UNC45B):c.2433C>T (p.Cys811=)

Gene: UNC45B (unc-45 myosin chaperone B; plus strand). Cytogenetic location: 17q12.
Variant type: single nucleotide variant.
Coding change: c.2433C>T on transcript NM_001267052.2 (MANE Select); coding-DNA position 2433, C replaced by T.
Protein change: p.Cys811=; no amino-acid change (cysteine 811 retained).
Molecular consequence: synonymous variant.
Genome position (GRCh38, 1-based): chr17:35,183,486, C>T. VCF-style: chr17-35183486-C-T. GRCh37 (hg19) VCF-style: chr17-33510505-C-T.
Other names: c.2433C>T, p.Cys811= (NM_001033576.2); c.2196C>T, p.Cys732= (NM_001308281.1); c.2439C>T, p.Cys813= (NM_173167.3).
Identifiers: ClinVar variation 737366 (VCV000737366.9), dbSNP rs151303445, ClinGen allele CA8501537.